The following is an entry in ClinVar:

ClinVar aggregate classification (germline): Likely benign. Review status: criteria provided, multiple submitters, no conflicts (2 of 4 stars). 2 submissions from 2 submitters: Likely benign (2). Last evaluated 2025-10-23.

Submissions (2):

Labcorp Genetics (formerly Invitae), Labcorp
Classification: Likely benign. Last evaluated: 2025-10-23. Review status: criteria provided, single submitter. Criteria: Invitae Variant Classification Sherloc (09022015). Collection method: clinical testing. Allele origin: germline.

GeneDx
Classification: Likely benign. Last evaluated: 2017-11-09. Review status: criteria provided, single submitter. Criteria: GeneDx Variant Classification (06012015). Collection method: clinical testing. Allele origin: germline. Affected: yes.
Comment: This variant is considered likely benign or benign based on one or more of the following criteria: it is a conservative change, it occurs at a poorly conserved position in the protein, it is predicted to be benign by multiple in silico algorithms, and/or has population frequency not consistent with disease.

NM_018451.5(CPAP):c.3703+19del

Genes: CPAP (centrosome assembly and centriole elongation protein; minus strand), RNF17 (ring finger protein 17; plus strand). Cytogenetic location: 13q12.12.
Variant type: Deletion.
Coding change: c.3703+19del on transcript NM_018451.5 (MANE Select); 19 bases into the intron after coding-DNA position 3703, one base deleted (C; older notation c.3703+19delC).
Molecular consequence: intron variant.
Genome position (GRCh38, 1-based): chr13:24,884,142, G deleted on the plus strand (C on the coding strand, the reverse complement: CPAP is on the minus strand); the first of 3 consecutive G bases (chr13:24,884,142-24,884,144); deleting any one gives the same sequence. VCF-style (leftmost placement, unchanged base first): chr13-24884141-AG-A. GRCh37 (hg19) VCF-style: chr13-25458279-AG-A.
Other names: c.3703+19delC (NM_018451.3).
Identifiers: ClinVar variation 513197 (VCV000513197.2), dbSNP rs751443030, ClinGen allele CA6919183.